The following is an entry in ClinVar:

NM_002397.5(MEF2C):c.1296C>G (p.Asp432Glu)

Genes: MEF2C (myocyte enhancer factor 2C; minus strand), MEF2C-AS2 (MEF2C antisense RNA 2; plus strand). Cytogenetic location: 5q14.3.
Variant type: single nucleotide variant.
Coding change: c.1296C>G on transcript NM_002397.5 (MANE Select); coding-DNA position 1296, C replaced by G.
Protein change: p.Asp432Glu; replaces aspartic acid 432 with glutamic acid.
Molecular consequence: missense variant. On other transcripts: 3 prime UTR variant (9), non-coding transcript variant (1).
Genome position (GRCh38, 1-based): chr5:88,722,730, G>C on the plus strand (C>G on the coding strand, the complement: MEF2C is on the minus strand). VCF-style: chr5-88722730-G-C. GRCh37 (hg19) VCF-style: chr5-88018547-G-C.
Other names: c.1200C>G, p.Asp400Glu (NM_001364336.2, NM_001364337.2, NM_001363581.2 and 2 more transcripts); c.1230C>G, p.Asp410Glu (NM_001364338.2); c.1176C>G, p.Asp392Glu (NM_001364339.2, NM_001364340.2, NM_001364341.2 and 1 more transcripts); c.1170C>G, p.Asp390Glu (NM_001364343.2); c.1152C>G, p.Asp384Glu (NM_001364344.2); c.*31C>G (NM_001364345.2, NM_001364346.2, NM_001364347.2 and 6 more transcripts); c.918C>G, p.Asp306Glu (NM_001364353.2); c.822C>G, p.Asp274Glu (NM_001364356.2); and 7 more; short protein forms D376E, D390E, D424E, D432E, D274E, D384E, D422E, D352E.
Identifiers: ClinVar variation 3705878 (VCV003705878.2).
Genomic context (GRCh38, chr5:88,722,730, plus strand): 5'-AGGTCTGGTGAGTCCAATGGGGGAGTGGAATTCGTTCCGGTGATCCTCTCGGTCGCTCCC[G>C]TCGTACGAACTGCTACAGCTGCTCAAGCTGTCAACAGGAGATCTCCCCGCCTCGTGGCGC-3'
Protein context (NP_002388.2, residues 422-442): DSLSSCSSSY[Asp432Glu]GSDREDHRNE

ClinVar aggregate classification (germline): Uncertain significance (1 of 4 stars; one submission).

Conditions:
Neurodevelopmental disorder with hypotonia, stereotypic hand movements, and impaired language. Also called: Intellectual disability, autosomal dominant 20. Identifiers: Orphanet 228384, Orphanet 664410, MedGen C3150700, MONDO:0013266, OMIM 613443.

gnomAD v4.1: 1 of 1,613,946 alleles (0.000062%); highest among the groups gnomAD compares: Non-Finnish European, 0.000085%; no homozygotes.

Submission:

Labcorp Genetics (formerly Invitae), Labcorp
Classification: Uncertain significance for Neurodevelopmental disorder with hypotonia, stereotypic hand movements, and impaired language. Last evaluated: 2024-05-31. Review status: criteria provided, single submitter. Criteria: Invitae Variant Classification Sherloc (09022015). Collection method: clinical testing. Allele origin: germline.
Comment: This sequence change replaces aspartic acid, which is acidic and polar, with glutamic acid, which is acidic and polar, at codon 432 of the MEF2C protein (p.Asp432Glu). This variant is not present in population databases (gnomAD no frequency). This variant has not been reported in the literature in individuals affected with MEF2C-related conditions. Advanced modeling of protein sequence and biophysical properties (such as structural, functional, and spatial information, amino acid conservation, physicochemical variation, residue mobility, and thermodynamic stability) performed at Invitae indicates that this missense variant is not expected to disrupt MEF2C protein function with a negative predictive value of 80%. In summary, the available evidence is currently insufficient to determine the role of this variant in disease. Therefore, it has been classified as a Variant of Uncertain Significance.